The following is an entry in ClinVar:

ClinVar aggregate classification (germline): Uncertain significance (1 of 4 stars; one submission).

gnomAD v4.1: 1 of 1,183,978 alleles (0.000084%); highest among the groups gnomAD compares: Non-Finnish European, 0.00011%; no homozygotes.

Submission:

GeneDx
Classification: Uncertain significance. Last evaluated: 2026-03-24. Review status: criteria provided, single submitter. Criteria: GeneDx Variant Classification Process June 2021. Collection method: clinical testing. Allele origin: germline.
Comment: Not observed at significant frequency in large population cohorts (gnomAD); In silico analysis suggests that this missense variant does not alter protein structure/function; Has not been previously published as pathogenic or benign to our knowledge

NM_001282874.2(SMARCA1):c.2043G>C (p.Glu681Asp)

Gene: SMARCA1 (SNF2 related chromatin remodeling ATPase 1; minus strand). Cytogenetic location: Xq25.
Variant type: single nucleotide variant.
Coding change: c.2043G>C on transcript NM_001282874.2 (MANE Select); coding-DNA position 2043, G replaced by C.
Protein change: p.Glu681Asp; replaces glutamic acid 681 with aspartic acid.
Molecular consequence: missense variant.
Genome position (GRCh38, 1-based): chrX:129,488,991, C>G on the plus strand (G>C on the coding strand, the complement: SMARCA1 is on the minus strand). VCF-style: chrX-129488991-C-G. GRCh37 (hg19) VCF-style: chrX-128622968-C-G.
Other names: c.2007G>C, p.Glu669Asp (NM_001282875.2, NM_001378262.1, NM_001378263.1 and 1 more transcripts); c.2043G>C, p.Glu681Asp (NM_001378261.1, NM_003069.5); short protein forms E669D, E681D.
Identifiers: ClinVar variation 5017386 (VCV005017386.1).